The following is an entry in ClinVar:

ClinVar aggregate classification (germline): Likely pathogenic (1 of 4 stars; one submission).

Submission:

Labcorp Genetics (formerly Invitae), Labcorp
Classification: Likely pathogenic. Last evaluated: 2021-06-07. Review status: criteria provided, single submitter. Criteria: Invitae Variant Classification Sherloc (09022015). Collection method: clinical testing. Allele origin: germline.
Comment: In summary, the currently available evidence indicates that the variant is pathogenic, but additional data are needed to prove that conclusively. Therefore, this variant has been classified as Likely Pathogenic. Algorithms developed to predict the effect of sequence changes on RNA splicing suggest that this variant may disrupt the consensus splice site, but this prediction has not been confirmed by published transcriptional studies. This variant has not been reported in the literature in individuals with COL7A1-related conditions. This variant is not present in population databases (ExAC no frequency). This sequence change affects a donor splice site in intron 103 of the COL7A1 gene. Variants that disrupt the donor or acceptor splice site typically lead to a loss of protein function (PMID: 16199547), and loss-of-function variants in COL7A1 are known to be disease-causing for autosomal recessive dystrophic epidermolysis bullosa (PMID: 16971478). However, certain variants affecting donor or acceptor splice sites in the triple helical domain of COL7A1 are expected to result in in-frame exon skipping and have been reported to cause autosomal dominant dystrophic epidermolysis bullosa (PMID: 31670143).

Literature cited by the submitters: PubMed 16199547; PubMed 16971478; PubMed 31670143.

NM_000094.4(COL7A1):c.7758+2C>A

Gene: COL7A1 (collagen type VII alpha 1 chain; minus strand). Cytogenetic location: 3p21.31.
Variant type: single nucleotide variant.
Coding change: c.7758+2C>A on transcript NM_000094.4 (MANE Select); the canonical splice donor site of the intron after coding-DNA position 7758, C replaced by A.
Molecular consequence: splice donor variant.
Genome position (GRCh38, 1-based): chr3:48,568,782, G>T on the plus strand (C>A on the coding strand, the complement: COL7A1 is on the minus strand). VCF-style: chr3-48568782-G-T. GRCh37 (hg19) VCF-style: chr3-48606215-G-T.
Identifiers: ClinVar variation 1479216 (VCV001479216.8), dbSNP rs2107639630, ClinGen allele CA352642743.